The following is an entry in ClinVar:

NM_003072.5(SMARCA4):c.3459G>A (p.Leu1153=)

Gene: SMARCA4 (SWI/SNF related BAF chromatin remodeling complex subunit ATPase 4; plus strand). Cytogenetic location: 19p13.2.
Variant type: single nucleotide variant.
Coding change: c.3459G>A on transcript NM_003072.5 (MANE Select); coding-DNA position 3459, G replaced by A.
Protein change: p.Leu1153=; no amino-acid change (leucine 1153 retained).
Molecular consequence: synonymous variant. On other transcripts: non-coding transcript variant (1).
Genome position (GRCh38, 1-based): chr19:11,030,806, G>A. VCF-style: chr19-11030806-G-A. GRCh37 (hg19) VCF-style: chr19-11141482-G-A.
Other names: c.3459G>A, p.Leu1153= (NM_001128844.3, NM_001128845.2, NM_001128846.2 and 5 more transcripts).
Identifiers: ClinVar variation 1620949 (VCV001620949.9), dbSNP rs1600365100, ClinGen allele CA505492157.

ClinVar aggregate classification (germline): Benign/Likely benign. Review status: criteria provided, multiple submitters, no conflicts (2 of 4 stars). 2 submissions from 2 submitters: Benign (1); Likely benign (1). Last evaluated 2026-07-14.

Conditions:
Rhabdoid tumor predisposition syndrome 2 (RTPS2). Identifiers: Orphanet 231108, Orphanet 69077, MedGen C2750074, MONDO:0013224, OMIM 613325.

Allele frequency attached by ClinVar (database versions not stated): gnomAD 0.00001.
gnomAD v4.1: 1 of 1,609,116 alleles (0.000062%); no homozygotes.

Submissions (2):

Myriad Genetics, Inc.
Classification: Benign for Rhabdoid tumor predisposition syndrome 2. Last evaluated: 2026-07-14. Review status: criteria provided, single submitter. Criteria: Myriad Autosomal Dominant, Autosomal Recessive and X-Linked Classification Criteria (2023). Collection method: clinical testing. Allele origin: unknown.
Comment: This variant is considered benign. This variant is a silent/synonymous amino acid change and it is not expected to impact splicing.

Labcorp Genetics (formerly Invitae), Labcorp
Classification: Likely benign for Rhabdoid tumor predisposition syndrome 2. Last evaluated: 2021-03-20. Review status: criteria provided, single submitter. Criteria: Invitae Variant Classification Sherloc (09022015). Collection method: clinical testing. Allele origin: germline.